The following is an entry in ClinVar:

NM_024753.5(TTC21B):c.2758-2A>T

Gene: TTC21B (tetratricopeptide repeat domain 21B; minus strand). Cytogenetic location: 2q24.3.
Variant type: single nucleotide variant.
Coding change: c.2758-2A>T on transcript NM_024753.5 (MANE Select); the canonical splice acceptor site of the intron before coding-DNA position 2758, A replaced by T.
Molecular consequence: splice acceptor variant.
Genome position (GRCh38, 1-based): chr2:165,899,882, T>A on the plus strand (A>T on the coding strand, the complement: TTC21B is on the minus strand). VCF-style: chr2-165899882-T-A. GRCh37 (hg19) VCF-style: chr2-166756392-T-A.
Identifiers: ClinVar variation 4786526 (VCV004786526.1).

ClinVar aggregate classification (germline): Pathogenic (1 of 4 stars; one submission).

Conditions:
Nephronophthisis. Also called: Juvenile Nephronophthisis. Identifiers: Orphanet 655, MedGen C0687120, MONDO:0019005, HP:0000090.
Jeune thoracic dystrophy. Also called: Jeune syndrome; Infantile thoracic dystrophy; Thoracic pelvic phalangeal dystrophy; Jeune's syndrome; Chondroectodermal dysplasia-like syndrome; Short-rib thoracic dysplasia. Identifiers: Orphanet 474, MedGen C0265275, MONDO:0018770.

Submission:

Labcorp Genetics (formerly Invitae), Labcorp
Classification: Pathogenic for Jeune thoracic dystrophy; Nephronophthisis. Last evaluated: 2025-10-26. Review status: criteria provided, single submitter. Criteria: Invitae Variant Classification Sherloc (09022015). Collection method: clinical testing. Allele origin: germline.
Comment: This sequence change affects an acceptor splice site in intron 20 of the TTC21B gene. It is expected to disrupt RNA splicing. Variants that disrupt the donor or acceptor splice site typically lead to a loss of protein function (PMID: 16199547), and loss-of-function variants in TTC21B are known to be pathogenic (PMID: 18327258, 21068128, 21258341, 23559409, 24876116, 25492405, 27491411, 29068549). This variant is not present in population databases (gnomAD no frequency). Disruption of this splice site has been observed in individual(s) with nephronophthisis (PMID: 21258341). In at least one individual the data is consistent with being in trans (on the opposite chromosome) from a pathogenic variant. Algorithms developed to predict the effect of sequence changes on RNA splicing suggest that this variant may disrupt the consensus splice site. For these reasons, this variant has been classified as Pathogenic.

Literature cited by the submitters: PubMed 16199547; PubMed 18327258; PubMed 21068128; PubMed 21258341; PubMed 23559409; PubMed 24876116; PubMed 25492405; PubMed 27491411; PubMed 29068549.